The following is an entry in ClinVar:

ClinVar aggregate classification (germline): Uncertain significance. Review status: criteria provided, multiple submitters, no conflicts (2 of 4 stars). 3 submissions from 3 submitters: Uncertain significance (3). Last evaluated 2025-08-28.

Conditions:
Hereditary cancer-predisposing syndrome. Also called: Hereditary neoplastic syndrome; Neoplastic Syndromes, Hereditary; Hereditary Cancer Syndrome; Tumor predisposition. Identifiers: Orphanet 140162, MedGen C0027672, MeSH D009386, MONDO:0015356.
Familial cancer of breast. Also called: Hereditary breast cancer; BREAST CANCER, FAMILIAL; hereditary breast carcinoma. Identifiers: Orphanet 227535, MedGen C0346153, MONDO:0016419, OMIM 114480. Disease mechanism: loss of function.

Submissions (3):

Molecular Diagnostics Laboratory, Catalan Institute of Oncology
Classification: Uncertain significance for Hereditary cancer-predisposing syndrome. Last evaluated: 2025-08-28. Review status: criteria provided, single submitter. Criteria: ACMG Guidelines, 2015. Collection method: clinical testing. Allele origin: germline.
Comment: PM1, PM2_Supporting c.1384C>T, located in exon 13 of the CHEK2 gene, is predicted to result in the substitution of leucine with phenylalanine at codon 462, p.(Leu462Phe). It affects the kinase domain (PM1). It is not present in the population database gnomAD v2.1.1, non-cancer dataset (PM2_Supporting). The SpliceAI algorithm predicts no significant impact on splicing. The REVEL meta-predictor score for this variant (0.691) suggests a deleterious effect on protein function according to Pejaver 2022 thresholds (PMID: 36413997) (PP3 unmet due to PM1 incompatibility). To our knowledge, neither relevant clinical data nor well-established functional studies have been reported for this variant. This variant has been reported in the ClinVar database (2x uncertain significance), and has not been reported in LOVD. Based on the currently available evidence, c.1384C>T is classified as an uncertain significance variant according to ACMG/AMP classification guidelines.

Ambry Genetics
Classification: Uncertain significance for Hereditary cancer-predisposing syndrome. Last evaluated: 2024-06-30. Review status: criteria provided, single submitter. Criteria: Ambry Variant Classification Scheme 2023. Collection method: clinical testing. Allele origin: germline.
Comment: The p.L462F variant (also known as c.1384C>T), located in coding exon 12 of the CHEK2 gene, results from a C to T substitution at nucleotide position 1384. The leucine at codon 462 is replaced by phenylalanine, an amino acid with highly similar properties. This amino acid position is conserved. In addition, the in silico prediction for this alteration is inconclusive. Based on the available evidence, the clinical significance of this variant remains unclear.

Labcorp Genetics (formerly Invitae), Labcorp
Classification: Uncertain significance for Familial cancer of breast. Last evaluated: 2020-11-22. Review status: criteria provided, single submitter. Criteria: Invitae Variant Classification Sherloc (09022015). Collection method: clinical testing. Allele origin: germline.
Comment: This variant has not been reported in the literature in individuals with CHEK2-related conditions. In summary, the available evidence is currently insufficient to determine the role of this variant in disease. Therefore, it has been classified as a Variant of Uncertain Significance. Algorithms developed to predict the effect of missense changes on protein structure and function are either unavailable or do not agree on the potential impact of this missense change (SIFT: "Deleterious"; PolyPhen-2: "Probably Damaging"; Align-GVGD: "Class C0"). This variant is not present in population databases (ExAC no frequency). This sequence change replaces leucine with phenylalanine at codon 462 of the CHEK2 protein (p.Leu462Phe). The leucine residue is highly conserved and there is a small physicochemical difference between leucine and phenylalanine.

NM_007194.4(CHEK2):c.1384C>T (p.Leu462Phe)

Gene: CHEK2 (checkpoint kinase 2; minus strand). Cytogenetic location: 22q12.1.
Variant type: single nucleotide variant.
Coding change: c.1384C>T on transcript NM_007194.4 (MANE Select); coding-DNA position 1384, C replaced by T.
Protein change: p.Leu462Phe; replaces leucine 462 with phenylalanine.
Molecular consequence: missense variant.
Genome position (GRCh38, 1-based): chr22:28,694,109, G>A on the plus strand (C>T on the coding strand, the complement: CHEK2 is on the minus strand). VCF-style: chr22-28694109-G-A. GRCh37 (hg19) VCF-style: chr22-29090097-G-A.
Other names: c.1513C>T, p.Leu505Phe (NM_001005735.3); c.721C>T, p.Leu241Phe (NM_001257387.3); c.1183C>T, p.Leu395Phe (NM_001349956.3); c.1297C>T, p.Leu433Phe (NM_145862.3); short protein forms L241F, L395F, L462F, L433F, L505F.
Identifiers: ClinVar variation 1487523 (VCV001487523.11), dbSNP rs751228409, ClinGen allele CA411094522.